The following is an entry in ClinVar:

ClinVar aggregate classification (germline): Pathogenic. Review status: criteria provided, multiple submitters, no conflicts (2 of 4 stars). 2 submissions from 2 submitters: Pathogenic (2). Last evaluated 2026-06-12.

Conditions:
Hypertrophic cardiomyopathy 26. Also called: Cardiomyopathy, familial hypertrophic, 26. Identifiers: Orphanet 75249, MedGen C4310749, MONDO:0014883, OMIM 617047.
Myofibrillar myopathy 5. Also called: Filaminopathy (type); FILAMINOPATHY, AUTOSOMAL DOMINANT. Identifiers: Orphanet 171445, MedGen C1836050, MONDO:0012289, OMIM 609524.
Distal myopathy with posterior leg and anterior hand involvement. Also called: WILLIAMS DISTAL MYOPATHY. Identifiers: Orphanet 63273, MedGen C3279722, MONDO:0013550, OMIM 614065.

Submissions (2):

MVZ Medizinische Genetik Mainz
Classification: Pathogenic for Hypertrophic cardiomyopathy 26. Last evaluated: 2026-06-12. Review status: criteria provided, single submitter. Criteria: UK Practice Guidelines For Variant Classification V4 01 2020. Collection method: clinical testing. Allele origin: germline. Inheritance: Autosomal dominant inheritance. Affected: yes. Observed: 1 variant allele.
Comment: ACMG Criteria: PVS1,PS4_SUP,PM2_SUP

Labcorp Genetics (formerly Invitae), Labcorp
Classification: Pathogenic for Distal myopathy with posterior leg and anterior hand involvement; Myofibrillar myopathy 5; Hypertrophic cardiomyopathy 26. Last evaluated: 2023-08-18. Review status: criteria provided, single submitter. Criteria: Invitae Variant Classification Sherloc (09022015). Collection method: clinical testing. Allele origin: germline.
Comment: This sequence change creates a premature translational stop signal (p.Ser2082Lysfs*8) in the FLNC gene. It is expected to result in an absent or disrupted protein product. Loss-of-function variants in FLNC are known to be pathogenic (PMID: 27908349). This variant is not present in population databases (gnomAD no frequency). This variant has not been reported in the literature in individuals affected with FLNC-related conditions. ClinVar contains an entry for this variant (Variation ID: 661219). For these reasons, this variant has been classified as Pathogenic.

Literature cited by the submitters: PubMed 27908349 (cited by Labcorp Genetics (formerly Invitae), Labcorp).

NM_001458.5(FLNC):c.6242dup (p.Ser2082fs)

Genes: FLNC (filamin C; plus strand), FLNC-AS1 (FLNC antisense RNA 1; minus strand). Cytogenetic location: 7q32.1.
Variant type: Duplication.
Coding change: c.6242dup on transcript NM_001458.5 (MANE Select); coding-DNA position 6242, one base duplicated (C; older notation c.6242dupC).
Protein change: p.Ser2082fs; shifts the reading frame from serine 2082.
Molecular consequence: frameshift variant.
Genome position (GRCh38, 1-based): chr7:128,853,502, C duplicated; the last of 3 consecutive C bases (chr7:128,853,500-128,853,502); duplicating any one gives the same sequence. VCF-style (leftmost placement, unchanged base first): chr7-128853499-G-GC. GRCh37 (hg19) VCF-style: chr7-128493553-G-GC.
Other names: c.6242dupC (NM_001458.4); c.6143dup, p.Ser2049fs (NM_001127487.2); short protein forms S2049fs, S2082fs.
Identifiers: ClinVar variation 661219 (VCV000661219.8), dbSNP rs1585168573, ClinGen allele CA915945515.
Genomic context (GRCh38, chr7:128,853,499, plus strand): 5'-GAGGGAGATGTGTTCCTTGCTTTCCCCCAGGTTATGGGGGCTTGGGGCTGAGTATTGAAG[G>GC]CCCAAGCAAGGTGGACATCAACTGTGAGGACATGGAGGACGGGACATGCAAAGTCACCTA-3'